The following is an entry in ClinVar:

ClinVar aggregate classification (germline): Benign. Review status: reviewed by expert panel (3 of 4 stars). 5 submissions from 5 submitters: Benign (1). 4 of the submissions do not count toward it. Last evaluated 2015-01-12.

Conditions:
Hereditary cancer-predisposing syndrome. Also called: Tumor predisposition; Hereditary neoplastic syndrome; Hereditary Cancer Syndrome; Neoplastic Syndromes, Hereditary. Identifiers: Orphanet 140162, MedGen C0027672, MeSH D009386, MONDO:0015356.
Breast-ovarian cancer, familial, susceptibility to, 1 (BROVCA1). Also called: BRCA1 Hereditary Breast and Ovarian Cancer; OVARIAN CANCER, SUSCEPTIBILITY TO. Identifiers: Orphanet 145, MedGen C2676676, MONDO:0011450, OMIM 604370. Disease mechanism: loss of function.

Allele frequency attached by ClinVar (database versions not stated): TOPMed 0.30127; gnomAD 0.30790 and 0.31535; 1000 Genomes Project 30x 0.34681; gnomAD exomes 0.35101; 1000 Genomes Project 0.35264.
gnomAD v4.1: 226,022 of 660,192 alleles (34%); highest among the groups gnomAD compares: South Asian, 50%; 40,347 homozygotes.

Submissions (5):

Evidence-based Network for the Interpretation of Germline Mutant Alleles (ENIGMA)
Classification: Benign for Breast-ovarian cancer, familial 1. Last evaluated: 2015-01-12. Review status: reviewed by expert panel. Criteria: ENIGMA BRCA1/2 Classification Criteria (2015). Collection method: curation. Allele origin: germline.
Comment: Class 1 not pathogenic based on frequency >1% in an outbred sampleset. Frequency 0.3304 (Asian), 0.2154 (African), 0.3562 (European), derived from 1000 genomes (2012-04-30).

GeneDx
Classification: Benign. Last evaluated: 2018-06-23. Review status: criteria provided, single submitter. Criteria: GeneDx Variant Classification Process June 2021. Collection method: clinical testing. Allele origin: germline. Affected: yes. Not counted in ClinVar's aggregate classification.

Ambry Genetics
Classification: Benign for Hereditary cancer-predisposing syndrome. Last evaluated: 2014-11-18. Review status: criteria provided, single submitter. Criteria: Ambry Variant Classification Scheme 2023. Collection method: clinical testing. Allele origin: germline. Not counted in ClinVar's aggregate classification.

Breakthrough Genomics
Classification: Benign. Review status: criteria provided, single submitter. Criteria: ACMG Guidelines, 2015. Collection method: not provided. Allele origin: germline. Inheritance: Autosomal recessive inheritance. Affected: yes. Not counted in ClinVar's aggregate classification.

Breast Cancer Information Core (BIC) (BRCA1)
Classification: Uncertain significance for Breast-ovarian cancer, familial 1. Review status: no assertion criteria provided. Collection method: clinical testing. Allele origin: germline. Affected: yes. Observed: 1 variant allele. Not counted in ClinVar's aggregate classification.

NM_007294.4(BRCA1):c.547+146A>T

Gene: BRCA1 (BRCA1 DNA repair associated; minus strand). Cytogenetic location: 17q21.31.
Variant type: single nucleotide variant.
Coding change: c.547+146A>T on transcript NM_007294.4 (MANE Select); 146 bases into the intron after coding-DNA position 547, A replaced by T.
Molecular consequence: intron variant.
Genome position (GRCh38, 1-based): chr17:43,099,629, T>A on the plus strand (A>T on the coding strand, the complement: BRCA1 is on the minus strand). VCF-style: chr17-43099629-T-A. GRCh37 (hg19) VCF-style: chr17-41251646-T-A.
Other names: IVS8+146A>T; IVS 8+146A>T; c.544+146A>T (NM_001408421.1, NM_001407991.1, NM_001407631.1 and 65 more transcripts); c.547+146A>T (NM_001408427.1, NM_001407668.1, NM_001407622.1 and 96 more transcripts); c.403+146A>T (NM_001407936.1, NM_001407849.1, NM_001407845.1 and 35 more transcripts); c.406+146A>T (NM_001408496.1, NM_001407929.1, NM_001407924.1 and 61 more transcripts); c.466+146A>T (NM_001408413.1, NM_001407660.1, NM_001407661.1 and 6 more transcripts); c.469+146A>T (NM_001408476.1, NM_001408474.1, NM_001407862.1 and 12 more transcripts); and 7 more.
Identifiers: ClinVar variation 125879 (VCV000125879.8), dbSNP rs8176140, ClinGen allele CA003630.
Genomic context (GRCh38, chr17:43,099,629, plus strand): 5'-CCTCTTTTGCTCCCTTTTTAAAGTAAGATTCTTCAAGGTGGGAACTGCGTCTTTTACATT[T>A]TTTATAACTCACCATAGGGCTCATAAAATTCACTTCCCAAAGCTGCCTACCACAAATACA-3'